The following is an entry in ClinVar:

NM_015512.5(DNAH1):c.11540A>G (p.Asp3847Gly)

Gene: DNAH1 (dynein axonemal heavy chain 1; plus strand). Cytogenetic location: 3p21.1.
Variant type: single nucleotide variant.
Coding change: c.11540A>G on transcript NM_015512.5 (MANE Select); coding-DNA position 11540, A replaced by G.
Protein change: p.Asp3847Gly; replaces aspartic acid 3847 with glycine.
Molecular consequence: missense variant.
Genome position (GRCh38, 1-based): chr3:52,396,727, A>G. VCF-style: chr3-52396727-A-G. GRCh37 (hg19) VCF-style: chr3-52430743-A-G.
Other names: short protein forms D3847G.
Identifiers: ClinVar variation 3368986 (VCV003368986.2).

ClinVar aggregate classification (germline): Uncertain significance (1 of 4 stars; one submission).

gnomAD v4.1: 12 of 1,613,650 alleles (0.00074%); highest among the groups gnomAD compares: Middle Eastern, 0.016%; no homozygotes.

Submission:

GeneDx
Classification: Uncertain significance. Last evaluated: 2026-05-26. Review status: criteria provided, single submitter. Criteria: GeneDx Variant Classification Process June 2021. Collection method: clinical testing. Allele origin: germline.
Comment: Not observed at significant frequency in large population cohorts (gnomAD); In silico analysis supports that this missense variant has a deleterious effect on protein structure/function; Has not been previously published as pathogenic or benign to our knowledge